The following is an entry in ClinVar:

NM_031433.4(MFRP):c.827A>G (p.Asp276Gly)

Genes: C1QTNF5 (C1q and TNF related 5; minus strand), MFRP (membrane frizzled-related protein; minus strand). Cytogenetic location: 11q23.3.
Variant type: single nucleotide variant.
Coding change: c.827A>G on transcript NM_031433.4 (MANE Select); coding-DNA position 827, A replaced by G.
Protein change: p.Asp276Gly; replaces aspartic acid 276 with glycine.
Molecular consequence: missense variant. On other transcripts: 5 prime UTR variant (1).
Genome position (GRCh38, 1-based): chr11:119,344,703, T>C on the plus strand (A>G on the coding strand, the complement: MFRP is on the minus strand). VCF-style: chr11-119344703-T-C. GRCh37 (hg19) VCF-style: chr11-119215413-T-C.
Other names: c.-1810A>G (NM_015645.5); short protein forms D276G.
Identifiers: ClinVar variation 1002439 (VCV001002439.10), dbSNP rs1303910426, ClinGen allele CA382976731.

ClinVar aggregate classification (germline): Uncertain significance. Review status: criteria provided, multiple submitters, no conflicts (2 of 4 stars). 2 submissions from 2 submitters: Uncertain significance (2). Last evaluated 2025-05-01.

Conditions:
Inborn genetic diseases. Identifiers: MedGen C0950123, MeSH D030342.
Isolated microphthalmia 5. Also called: Posterior Microphthalmia with Retinitis Pigmentosa, Foveoschisis, and Optic Disc Drusen. Identifiers: Orphanet 251279, MedGen C1970236, MONDO:0012605, OMIM 611040.

Allele frequency attached by ClinVar (database versions not stated): TOPMed 0.00001; gnomAD exomes 0.00002.
gnomAD v4.1: 7 of 1,614,004 alleles (0.00043%); highest among the groups gnomAD compares: Admixed American, 0.0083%; no homozygotes.

Submissions (2):

Ambry Genetics
Classification: Uncertain significance for Inborn genetic diseases. Last evaluated: 2025-05-01. Review status: criteria provided, single submitter. Criteria: Ambry Variant Classification Scheme 2023. Collection method: clinical testing. Allele origin: germline.

Labcorp Genetics (formerly Invitae), Labcorp
Classification: Uncertain significance for Isolated microphthalmia 5. Last evaluated: 2023-05-22. Review status: criteria provided, single submitter. Criteria: Invitae Variant Classification Sherloc (09022015). Collection method: clinical testing. Allele origin: germline.
Comment: ClinVar contains an entry for this variant (Variation ID: 1002439). This variant has not been reported in the literature in individuals affected with MFRP-related conditions. This variant is present in population databases (no rsID available, gnomAD 0.009%). This sequence change replaces aspartic acid, which is acidic and polar, with glycine, which is neutral and non-polar, at codon 276 of the MFRP protein (p.Asp276Gly). Advanced modeling of protein sequence and biophysical properties (such as structural, functional, and spatial information, amino acid conservation, physicochemical variation, residue mobility, and thermodynamic stability) performed at Invitae indicates that this missense variant is not expected to disrupt MFRP protein function. In summary, the available evidence is currently insufficient to determine the role of this variant in disease. Therefore, it has been classified as a Variant of Uncertain Significance.